The following is an entry in ClinVar:

ClinVar aggregate classification (germline): Conflicting classifications of pathogenicity. Review status: criteria provided, conflicting classifications (1 of 4 stars). 5 submissions from 5 submitters: Uncertain significance (1); Benign (3). 1 of the submissions does not count toward it. Last evaluated 2025-11-24.

Conditions:
Inborn genetic diseases. Identifiers: MedGen C0950123, MeSH D030342.
ARID1B-Related Disorder. Identifiers: MedGen CN381337.

Allele frequency attached by ClinVar (database versions not stated): gnomAD exomes 0.00001; ExAC 0.00009; gnomAD 0.00018.
gnomAD v4.1: 47 of 1,486,644 alleles (0.0032%); highest among the groups gnomAD compares: African/African-American, 0.064%; no homozygotes.

Submissions (5):

Labcorp Genetics (formerly Invitae), Labcorp
Classification: Benign. Last evaluated: 2025-11-24. Review status: criteria provided, single submitter. Criteria: Invitae Variant Classification Sherloc (09022015). Collection method: clinical testing. Allele origin: germline.

CeGaT Center for Human Genetics Tuebingen
Classification: Uncertain significance. Last evaluated: 2022-12-01. Review status: criteria provided, single submitter. Criteria: CeGaT Center For Human Genetics Tuebingen Variant Classification Criteria Version 2. Collection method: clinical testing. Allele origin: germline. Affected: yes. Observed: 1 variant allele.

Ambry Genetics
Classification: Benign for Inborn genetic diseases. Last evaluated: 2021-07-13. Review status: criteria provided, single submitter. Criteria: Ambry Variant Classification Scheme 2023. Collection method: clinical testing. Allele origin: germline.

GeneDx
Classification: Benign. Last evaluated: 2021-01-25. Review status: criteria provided, single submitter. Criteria: GeneDx Variant Classification Process June 2021. Collection method: clinical testing. Allele origin: germline. Affected: yes.

PreventionGenetics, part of Exact Sciences
Classification: Likely benign for ARID1B-related condition. Last evaluated: 2023-01-30. Review status: no assertion criteria provided. Collection method: clinical testing. Allele origin: germline. Not counted in ClinVar's aggregate classification.
Comment: This variant is classified as likely benign based on ACMG/AMP sequence variant interpretation guidelines (Richards et al. 2015 PMID: 25741868, with internal and published modifications).

NM_001374828.1(ARID1B):c.980C>G (p.Pro327Arg)

Gene: ARID1B (AT-rich interaction domain 1B; plus strand). Cytogenetic location: 6q25.3.
Variant type: single nucleotide variant.
Coding change: c.980C>G on transcript NM_001374828.1 (MANE Select); coding-DNA position 980, C replaced by G.
Protein change: p.Pro327Arg; replaces proline 327 with arginine.
Molecular consequence: missense variant.
Genome position (GRCh38, 1-based): chr6:156,778,660, C>G. VCF-style: chr6-156778660-C-G. GRCh37 (hg19) VCF-style: chr6-157099794-C-G.
Other names: c.731C>G (NM_020732.3); c.980C>G, p.Pro327Arg (NM_001371656.1, NM_001374820.1, NM_017519.3); short protein forms P327R.
Identifiers: ClinVar variation 1267132 (VCV001267132.32), dbSNP rs775385239, ClinGen allele CA4066694.